The following is an entry in ClinVar:

NM_001126128.2(PROK2):c.122G>A (p.Gly41Asp)

Gene: PROK2 (prokineticin 2; minus strand). Cytogenetic location: 3p13.
Variant type: single nucleotide variant.
Coding change: c.122G>A on transcript NM_001126128.2 (MANE Select); coding-DNA position 122, G replaced by A.
Protein change: p.Gly41Asp; replaces glycine 41 with aspartic acid.
Molecular consequence: missense variant.
Genome position (GRCh38, 1-based): chr3:71,781,567, C>T on the plus strand (G>A on the coding strand, the complement: PROK2 is on the minus strand). VCF-style: chr3-71781567-C-T. GRCh37 (hg19) VCF-style: chr3-71830718-C-T.
Other names: c.122G>A (NM_001126128.1); c.122G>A, p.Gly41Asp (NM_021935.4); short protein forms G41D.
Identifiers: ClinVar variation 2690980 (VCV002690980.4), dbSNP rs200922174, ClinGen allele CA2492009.

ClinVar aggregate classification (germline): Conflicting classifications of pathogenicity. Review status: criteria provided, conflicting classifications (1 of 4 stars). 3 submissions from 3 submitters: Likely pathogenic (1); Uncertain significance (2). Last evaluated 2025-03-20.

Conditions:
PROK2-related disorder. Also called: PROK2-related condition.
Male infertility with spermatogenesis disorder. Identifiers: Orphanet 399775, MedGen C5681167, MONDO:0018391.

Allele frequency attached by ClinVar (database versions not stated): TOPMed 0.00002; ESP Exome Variant Server 0.00008; gnomAD 0.00009; gnomAD exomes 0.00009; ExAC 0.00028.
gnomAD v4.1: 144 of 1,611,804 alleles (0.0089%); highest among the groups gnomAD compares: Non-Finnish European, 0.0024%; 1 homozygote.

Submissions (3):

PreventionGenetics, part of Exact Sciences
Classification: Uncertain significance for PROK2-related condition. Last evaluated: 2025-03-20. Review status: criteria provided, single submitter. Criteria: ACMG Guidelines, 2015. Collection method: clinical testing. Allele origin: germline.
Comment: The PROK2 c.122G>A variant is predicted to result in the amino acid substitution p.Gly41Asp. This variant has been reported in individuals with Kallmann syndrome or male infertility in the presence of additional variants (reported as c.122G>T, p.G41D in Quaynor et al. 2011. PubMed ID: 22035731; Lillepea et al. 2024. PubMed ID: 38614076; Supplementary Discussion, Nagirnaja et al. 2022. PubMed ID: 36572685). This variant is reported in 0.10% of alleles in individuals of European (Finnish) descent in gnomAD, including 1 homozygote. Although we suspect that this variant may be benign, at this time, the clinical significance of this variant is uncertain due to the absence of conclusive functional and genetic evidence.

Blueprint Genetics
Classification: Uncertain significance. Last evaluated: 2024-09-12. Review status: criteria provided, single submitter. Criteria: ACMG Guidelines, 2015. Collection method: clinical testing. Allele origin: germline.

Laan Lab, Human Genetics Research Group, University of Tartu
Classification: Likely pathogenic for Male infertility with spermatogenesis disorder. Last evaluated: 2023-09-01. Review status: criteria provided, single submitter. Criteria: ACMG Guidelines, 2015. Collection method: research. Allele origin: maternal. Inheritance: Oligogenic inheritance. Affected: yes. Observed: 1 heterozygote.

Literature cited by the submitters: DOI 10.1016/j.ajhg.2024.03.013 (cited by Laan Lab, Human Genetics Research Group, University of Tartu).